The following is an entry in ClinVar:

NM_001365276.2(TNXB):c.9668del (p.Gly3223fs)

Gene: TNXB (tenascin XB; minus strand). Cytogenetic location: 6p21.33.
Variant type: Deletion.
Coding change: c.9668del on transcript NM_001365276.2 (MANE Select); coding-DNA position 9668, one base deleted (G; older notation c.9668delG).
Protein change: p.Gly3223fs; shifts the reading frame from glycine 3223.
Molecular consequence: frameshift variant.
Genome position (GRCh38, 1-based): chr6:32,049,359, C deleted on the plus strand (G on the coding strand, the reverse complement: TNXB is on the minus strand); the first of 6 consecutive C bases (chr6:32,049,359-32,049,364); deleting any one gives the same sequence. VCF-style (leftmost placement, unchanged base first): chr6-32049358-GC-G. GRCh37 (hg19) VCF-style: chr6-32017135-GC-G.
Other names: c.10404delG, p.Gly3470Alafs (NM_001428335.1); c.9662del, p.Gly3221fs (NM_019105.8); short protein forms G3221fs, G3223fs.
Identifiers: ClinVar variation 3075975 (VCV003075975.1), dbSNP rs773500008, ClinGen allele CA3733449.

ClinVar aggregate classification (germline): Likely pathogenic (1 of 4 stars; one submission).

Conditions:
Ehlers-Danlos syndrome due to tenascin-X deficiency (EDSCLL1). Also called: EDS DUE TO TNX DEFICIENCY; TNX DEFICIENCY; Ehlers-Danlos syndrome, classic-like, 1; EHLERS-DANLOS SYNDROME, CLASSIC-LIKE; TNXB-Related Classical-Like Ehlers-Danlos Syndrome. Identifiers: Orphanet 230839, MedGen C1848029, MONDO:0011670, OMIM 606408.

Submission:

Laboratory for Molecular Medicine, Mass General Brigham Personalized Medicine
Classification: Likely pathogenic for Ehlers-Danlos syndrome due to tenascin-X deficiency. Last evaluated: 2024-01-07. Review status: criteria provided, single submitter. Criteria: ACMG Guidelines, 2015. Collection method: clinical testing. Allele origin: germline. Inheritance: Autosomal recessive inheritance.
Comment: The p.Gly3223AlafsX51 variant in TNXB has not been previously reported in individuals with Ehlers-Danlos syndrome (EDS) but has been identified in 0.001% (1/68014) of European chromosomes by gnomAD (v.3.1.2). This variant is predicted to cause a frameshift, which alters the protein’s amino acid sequence beginning at position 3223 and leads to a premature termination codon 51 amino acids downstream. This alteration is then predicted to lead to a truncated or absent protein. Biallelic loss of function of the TNXB gene is an established disease mechanism in autosomal recessive EDS. In summary, although additional studies are required to fully establish its clinical significance, this variant meets criteria to be classified as likely pathogenic for autosomal recessive EDS. ACMG/AMP Criteria applied: PVS1, PM2_Supporting.